The following is an entry in ClinVar:

NM_000562.3(C8A):c.92C>A (p.Ala31Glu)

Gene: C8A (complement C8 alpha chain; plus strand). Cytogenetic location: 1p32.2.
Variant type: single nucleotide variant.
Coding change: c.92C>A on transcript NM_000562.3 (MANE Select); coding-DNA position 92, C replaced by A.
Protein change: p.Ala31Glu; replaces alanine 31 with glutamic acid.
Molecular consequence: missense variant.
Genome position (GRCh38, 1-based): chr1:56,867,623, C>A. VCF-style: chr1-56867623-C-A. GRCh37 (hg19) VCF-style: chr1-57333296-C-A.
Other names: short protein forms A31E.
Identifiers: ClinVar variation 1468000 (VCV001468000.7), dbSNP rs573892177, ClinGen allele CA22851652.

ClinVar aggregate classification (germline): Uncertain significance (1 of 4 stars; one submission).

Allele frequency attached by ClinVar (database versions not stated): TOPMed below 0.00001; gnomAD 0.00001; gnomAD exomes 0.00001; 1000 Genomes Project 30x 0.00016; 1000 Genomes Project 0.00020.
gnomAD v4.1: 24 of 1,613,418 alleles (0.0015%); highest among the groups gnomAD compares: Non-Finnish European, 0.0018%; no homozygotes.

Submission:

Labcorp Genetics (formerly Invitae), Labcorp
Classification: Uncertain significance. Last evaluated: 2022-08-09. Review status: criteria provided, single submitter. Criteria: Invitae Variant Classification Sherloc (09022015). Collection method: clinical testing. Allele origin: germline.
Comment: This variant has not been reported in the literature in individuals affected with C8A-related conditions. ClinVar contains an entry for this variant (Variation ID: 1468000). Algorithms developed to predict the effect of missense changes on protein structure and function are either unavailable or do not agree on the potential impact of this missense change (SIFT: "Tolerated"; PolyPhen-2: "Possibly Damaging"; Align-GVGD: "Class C0"). In summary, the available evidence is currently insufficient to determine the role of this variant in disease. Therefore, it has been classified as a Variant of Uncertain Significance. This variant is present in population databases (rs573892177, gnomAD 0.003%). This sequence change replaces alanine, which is neutral and non-polar, with glutamic acid, which is acidic and polar, at codon 31 of the C8A protein (p.Ala31Glu).